The following is an entry in ClinVar:

ClinVar aggregate classification (germline): Uncertain significance. Review status: criteria provided, multiple submitters, no conflicts (2 of 4 stars). 2 submissions from 2 submitters: Uncertain significance (2). Last evaluated 2026-08-11.

Conditions:
Familial cancer of breast. Also called: Hereditary breast cancer; BREAST CANCER, FAMILIAL; hereditary breast carcinoma. Identifiers: Orphanet 227535, MedGen C0346153, MONDO:0016419, OMIM 114480. Disease mechanism: loss of function.
Hereditary cancer-predisposing syndrome. Also called: Tumor predisposition; Hereditary neoplastic syndrome; Hereditary Cancer Syndrome; Neoplastic Syndromes, Hereditary. Identifiers: Orphanet 140162, MedGen C0027672, MeSH D009386, MONDO:0015356.

Submissions (2):

Ambry Genetics
Classification: Uncertain significance for Hereditary cancer-predisposing syndrome. Last evaluated: 2026-08-11. Review status: criteria provided, single submitter. Criteria: Ambry Variant Classification Scheme 2023. Collection method: clinical testing. Allele origin: germline.
Comment: The p.E180A variant (also known as c.539A>C), located in coding exon 4 of the PALB2 gene, results from an A to C substitution at nucleotide position 539. The glutamic acid at codon 180 is replaced by alanine, an amino acid with dissimilar properties. This amino acid position is conserved. In addition, this alteration is predicted to be tolerated by in silico analysis. Based on the available evidence, the clinical significance of this variant remains unclear.

Labcorp Genetics (formerly Invitae), Labcorp
Classification: Uncertain significance for Familial cancer of breast. Last evaluated: 2024-05-31. Review status: criteria provided, single submitter. Criteria: Invitae Variant Classification Sherloc (09022015). Collection method: clinical testing. Allele origin: germline.
Comment: This sequence change replaces glutamic acid, which is acidic and polar, with alanine, which is neutral and non-polar, at codon 180 of the PALB2 protein (p.Glu180Ala). This variant is not present in population databases (gnomAD no frequency). This variant has not been reported in the literature in individuals affected with PALB2-related conditions. An algorithm developed to predict the effect of missense changes on protein structure and function (PolyPhen-2) suggests that this variant is likely to be tolerated. In summary, the available evidence is currently insufficient to determine the role of this variant in disease. Therefore, it has been classified as a Variant of Uncertain Significance.

NM_024675.4(PALB2):c.539A>C (p.Glu180Ala)

Gene: PALB2 (partner and localizer of BRCA2; minus strand). Cytogenetic location: 16p12.2.
Variant type: single nucleotide variant.
Coding change: c.539A>C on transcript NM_024675.4 (MANE Select); coding-DNA position 539, A replaced by C.
Protein change: p.Glu180Ala; replaces glutamic acid 180 with alanine.
Molecular consequence: missense variant. On other transcripts: 5 prime UTR variant (8), intron variant (3).
Genome position (GRCh38, 1-based): chr16:23,636,007, T>G on the plus strand (A>C on the coding strand, the complement: PALB2 is on the minus strand). VCF-style: chr16-23636007-T-G. GRCh37 (hg19) VCF-style: chr16-23647328-T-G.
Other names: c.479A>C, p.Glu160Ala (NM_001407296.1); c.539A>C, p.Glu180Ala (NM_001407297.1, NM_001407298.1, NM_001407299.1 and 3 more transcripts); c.-347A>C (NM_001407304.1, NM_001407305.1, NM_001407306.1 and 5 more transcripts); c.48+5103A>C (NM_001407314.1); c.-105+5103A>C (NM_001407313.1, NM_001407312.1); short protein forms E160A, E180A.
Identifiers: ClinVar variation 3655095 (VCV003655095.3).